The following is an entry in ClinVar:

ClinVar aggregate classification (germline): Likely pathogenic. Review status: criteria provided, multiple submitters, no conflicts (2 of 4 stars). 2 submissions from 2 submitters: Likely pathogenic (2). Last evaluated 2024-08-13.

Conditions:
Global developmental delay with or without impaired intellectual development. Identifiers: MedGen C5193032, MONDO:0032680, OMIM 618330.

gnomAD v4.1: 1 of 1,603,884 alleles (0.000062%); highest among the groups gnomAD compares: Non-Finnish European, 0.000085%; no homozygotes.

Submissions (2):

Institute of Human Genetics, University of Leipzig Medical Center
Classification: Likely pathogenic for Global developmental delay with or without impaired intellectual development. Last evaluated: 2024-08-13. Review status: criteria provided, single submitter. Criteria: ACMG Guidelines, 2015. Collection method: clinical testing. Allele origin: unknown. Inheritance: Autosomal dominant inheritance. Affected: yes.
Comment: Criteria applied: PVS1,PM2_SUP

Laboratorio de Genetica e Diagnostico Molecular, Hospital Israelita Albert Einstein
Classification: Likely pathogenic for Global developmental delay with or without impaired intellectual development. Last evaluated: 2023-01-09. Review status: criteria provided, single submitter. Criteria: ACMG Guidelines, 2015. Collection method: clinical testing. Allele origin: germline. Affected: yes.
Comment: ACMG classification criteria: PVS1 very strong, PM2 moderate

NM_001913.5(CUX1):c.1451-2A>G

Gene: CUX1 (cut like homeobox 1; plus strand). Cytogenetic location: 7q22.1.
Variant type: single nucleotide variant.
Coding change: c.1451-2A>G on transcript NM_001913.5 (MANE Plus Clinical); the canonical splice acceptor site of the intron before coding-DNA position 1451, A replaced by G.
Molecular consequence: splice acceptor variant.
Genome position (GRCh38, 1-based): chr7:102,275,245, A>G. VCF-style: chr7-102275245-A-G. GRCh37 (hg19) VCF-style: chr7-101918516-A-G.
Other names: c.1445-2A>G (NM_181500.4); c.1313-2A>G (NM_001202545.3); c.1403-2A>G (NM_001202544.3); c.1334-2A>G (NM_001202546.3).
Identifiers: ClinVar variation 3359058 (VCV003359058.3).